The following is an entry in ClinVar:

NM_006231.4(POLE):c.5736A>T (p.Glu1912Asp)

Gene: POLE (DNA polymerase epsilon, catalytic subunit; minus strand). Cytogenetic location: 12q24.33.
Variant type: single nucleotide variant.
Coding change: c.5736A>T on transcript NM_006231.4 (MANE Select); coding-DNA position 5736, A replaced by T.
Protein change: p.Glu1912Asp; replaces glutamic acid 1912 with aspartic acid.
Molecular consequence: missense variant.
Genome position (GRCh38, 1-based): chr12:132,635,967, T>A on the plus strand (A>T on the coding strand, the complement: POLE is on the minus strand). VCF-style: chr12-132635967-T-A. GRCh37 (hg19) VCF-style: chr12-133212553-T-A.
Other names: short protein forms E1912D.
Identifiers: ClinVar variation 2755725 (VCV002755725.3), dbSNP rs369755963, ClinGen allele CA387373082.

ClinVar aggregate classification (germline): Uncertain significance (1 of 4 stars; one submission).

Submission:

Labcorp Genetics (formerly Invitae), Labcorp
Classification: Uncertain significance. Last evaluated: 2023-08-27. Review status: criteria provided, single submitter. Criteria: Invitae Variant Classification Sherloc (09022015). Collection method: clinical testing. Allele origin: germline.
Comment: In summary, the available evidence is currently insufficient to determine the role of this variant in disease. Therefore, it has been classified as a Variant of Uncertain Significance. Advanced modeling of protein sequence and biophysical properties (such as structural, functional, and spatial information, amino acid conservation, physicochemical variation, residue mobility, and thermodynamic stability) performed at Invitae indicates that this missense variant is not expected to disrupt POLE protein function. This variant has not been reported in the literature in individuals affected with POLE-related conditions. This variant is not present in population databases (gnomAD no frequency). This sequence change replaces glutamic acid, which is acidic and polar, with aspartic acid, which is acidic and polar, at codon 1912 of the POLE protein (p.Glu1912Asp).